The following is an entry in ClinVar:

NM_058216.3(RAD51C):c.173T>G (p.Leu58Ter)

Gene: RAD51C (RAD51 paralog C; plus strand). Cytogenetic location: 17q22.
Variant type: single nucleotide variant.
Coding change: c.173T>G on transcript NM_058216.3 (MANE Select); coding-DNA position 173, T replaced by G.
Protein change: p.Leu58Ter; replaces leucine 58 with a stop codon.
Molecular consequence: nonsense. On other transcripts: non-coding transcript variant (2).
Genome position (GRCh38, 1-based): chr17:58,694,958, T>G. VCF-style: chr17-58694958-T-G. GRCh37 (hg19) VCF-style: chr17-56772319-T-G.
Other names: c.173T>G, p.Leu58Ter (NM_002876.4); short protein forms L58*.
Identifiers: ClinVar variation 5042477 (VCV005042477.1).

ClinVar aggregate classification (germline): Pathogenic (1 of 4 stars; one submission).

Conditions:
Breast-ovarian cancer, familial, susceptibility to, 3. Also called: RAD51C-Related Breast/Ovarian Cancer. Identifiers: Orphanet 145, MedGen C3150659, MONDO:0013253, OMIM 613399.

Submission:

Myriad Genetics, Inc.
Classification: Pathogenic for Breast-ovarian cancer, familial, susceptibility to, 3. Last evaluated: 2026-09-08. Review status: criteria provided, single submitter. Criteria: Myriad Autosomal Dominant, Autosomal Recessive and X-Linked Classification Criteria (2023). Collection method: clinical testing. Allele origin: unknown.
Comment: This variant is considered pathogenic. This variant creates a termination codon and is predicted to result in premature protein truncation.